The following is an entry in ClinVar:

NM_024408.4(NOTCH2):c.916C>T (p.Pro306Ser)

Gene: NOTCH2 (notch receptor 2; minus strand). Cytogenetic location: 1p12.
Variant type: single nucleotide variant.
Coding change: c.916C>T on transcript NM_024408.4 (MANE Select); coding-DNA position 916, C replaced by T.
Protein change: p.Pro306Ser; replaces proline 306 with serine.
Molecular consequence: missense variant.
Genome position (GRCh38, 1-based): chr1:119,969,703, G>A on the plus strand (C>T on the coding strand, the complement: NOTCH2 is on the minus strand). VCF-style: chr1-119969703-G-A. GRCh37 (hg19) VCF-style: chr1-120512326-G-A.
Other names: c.916C>T, p.Pro306Ser (NM_001200001.2); c.916C>T (NM_024408.3); short protein forms P306S.
Identifiers: ClinVar variation 4799936 (VCV004799936.2).

ClinVar aggregate classification (germline): Uncertain significance. Review status: criteria provided, multiple submitters, no conflicts (2 of 4 stars). 2 submissions from 2 submitters: Uncertain significance (2). Last evaluated 2025-05-18.

Conditions:
Hajdu-Cheney syndrome (HJCYS). Also called: ACROOSTEOLYSIS WITH OSTEOPOROSIS AND CHANGES IN SKULL AND MANDIBLE; SERPENTINE FIBULA-POLYCYSTIC KIDNEY SYNDROME; Acroosteolysis dominant type. Identifiers: Orphanet 955, MedGen C0917715, MONDO:0007057, OMIM 102500.
NOTCH2-related disorder. Also called: NOTCH2-related condition.

Submissions (2):

Labcorp Genetics (formerly Invitae), Labcorp
Classification: Uncertain significance for Hajdu-Cheney syndrome. Last evaluated: 2025-05-18. Review status: criteria provided, single submitter. Criteria: Invitae Variant Classification Sherloc (09022015). Collection method: clinical testing. Allele origin: germline.
Comment: This sequence change replaces proline, which is neutral and non-polar, with serine, which is neutral and polar, at codon 306 of the NOTCH2 protein (p.Pro306Ser). This variant is not present in population databases (gnomAD no frequency). This variant has not been reported in the literature in individuals affected with NOTCH2-related conditions. Invitae Evidence Modeling of protein sequence and biophysical properties (such as structural, functional, and spatial information, amino acid conservation, physicochemical variation, residue mobility, and thermodynamic stability) indicates that this missense variant is not expected to disrupt NOTCH2 protein function with a negative predictive value of 95%. In summary, the available evidence is currently insufficient to determine the role of this variant in disease. Therefore, it has been classified as a Variant of Uncertain Significance.

PreventionGenetics, part of Exact Sciences
Classification: Uncertain significance for NOTCH2-related condition. Last evaluated: 2024-11-27. Review status: criteria provided, single submitter. Criteria: ACMG Guidelines, 2015. Collection method: clinical testing. Allele origin: germline.
Comment: The NOTCH2 c.916C>T variant is predicted to result in the amino acid substitution p.Pro306Ser. To our knowledge, this variant has not been reported in the literature or in a large population database (gnomAD), indicating this variant is rare. At this time, the clinical significance of this variant is uncertain due to the absence of conclusive functional and genetic evidence.